The following is an entry in ClinVar:

NM_000295.5(SERPINA1):c.923C>T (p.Ala308Val)

Gene: SERPINA1 (serpin family A member 1; minus strand). Cytogenetic location: 14q32.13.
Variant type: single nucleotide variant.
Coding change: c.923C>T on transcript NM_000295.5 (MANE Select); coding-DNA position 923, C replaced by T.
Protein change: p.Ala308Val; replaces alanine 308 with valine.
Molecular consequence: missense variant.
Genome position (GRCh38, 1-based): chr14:94,379,606, G>A on the plus strand (C>T on the coding strand, the complement: SERPINA1 is on the minus strand). VCF-style: chr14-94379606-G-A. GRCh37 (hg19) VCF-style: chr14-94845943-G-A.
Other names: c.923C>T, p.Ala308Val (NM_001002235.3, NM_001002236.3, NM_001127700.2 and 7 more transcripts); short protein forms A308V.
Identifiers: ClinVar variation 3033744 (VCV003033744.2), dbSNP rs1440243479, ClinGen allele CA390848275.
Genomic context (GRCh38, chr14:94,379,606, plus strand): 5'-CCCAGGACGCTCTTCAGATCATAGGTTCCAGTAATGGACAGTTTGGGTAAATGTAAGCTG[G>A]CAGACCTGTCGTGCAGAAAAGAAATTCAAGGCATGGCACAGCATTCCTCTTGTTCTTCTG-3'
Protein context (NP_000286.3, residues 298-318): KFLENEDRRS[Ala308Val]SLHLPKLSIT

ClinVar aggregate classification (germline): Benign (0 of 4 stars; one submission).

Conditions:
SERPINA1-related disorder. Also called: SerpinA1-related disorders; SERPINA1-related condition.

Submission:

PreventionGenetics, part of Exact Sciences
Classification: Benign for SERPINA1-related condition. Last evaluated: 2021-05-03. Review status: no assertion criteria provided. Collection method: clinical testing. Allele origin: germline.
Comment: This variant is classified as benign based on ACMG/AMP sequence variant interpretation guidelines (Richards et al. 2015 PMID: 25741868, with internal and published modifications).